The following is an entry in ClinVar:

NM_004320.6(ATP2A1):c.1015G>A (p.Val339Ile)

Gene: ATP2A1 (ATPase sarcoplasmic/endoplasmic reticulum Ca2+ transporting 1; plus strand). Cytogenetic location: 16p11.2.
Variant type: single nucleotide variant.
Coding change: c.1015G>A on transcript NM_004320.6 (MANE Select); coding-DNA position 1015, G replaced by A.
Protein change: p.Val339Ile; replaces valine 339 with isoleucine.
Molecular consequence: missense variant.
Genome position (GRCh38, 1-based): chr16:28,888,873, G>A. VCF-style: chr16-28888873-G-A. GRCh37 (hg19) VCF-style: chr16-28900194-G-A.
Other names: c.640G>A, p.Val214Ile (NM_001286075.2); c.1015G>A, p.Val339Ile (NM_173201.5); c.1015G>A (NM_173201.4); short protein forms V339I, V214I.
Identifiers: ClinVar variation 578686 (VCV000578686.11), dbSNP rs770299228, ClinGen allele CA7986822.
Genomic context (GRCh38, chr16:28,888,873, plus strand): 5'-CTGGCCCTGGGTACCCGTCGGATGGCAAAGAAGAATGCCATTGTAAGAAGCTTGCCCTCC[G>A]TAGAGACCCTGGGCTGCACCTCTGTCATCTGTTCCGACAAGACAGGCACCCTCACCACCA-3'
Protein context (NP_004311.1, residues 329-349): KNAIVRSLPS[Val339Ile]ETLGCTSVIC

ClinVar aggregate classification (germline): Uncertain significance. Review status: criteria provided, multiple submitters, no conflicts (2 of 4 stars). 2 submissions from 2 submitters: Uncertain significance (2). Last evaluated 2025-03-17.

Conditions:
Brody myopathy. Also called: BRODY DISEASE. Identifiers: Orphanet 53347, MedGen C1832918, MONDO:0010977, OMIM 601003.

Allele frequency attached by ClinVar (database versions not stated): TOPMed 0.00001; gnomAD 0.00002 and 0.00003.
gnomAD v4.1: 17 of 1,613,172 alleles (0.0011%); highest among the groups gnomAD compares: East Asian, 0.0022%; no homozygotes.

Submissions (2):

Labcorp Genetics (formerly Invitae), Labcorp
Classification: Uncertain significance for Brody myopathy. Last evaluated: 2025-03-17. Review status: criteria provided, single submitter. Criteria: Invitae Variant Classification Sherloc (09022015). Collection method: clinical testing. Allele origin: germline.
Comment: This sequence change replaces valine, which is neutral and non-polar, with isoleucine, which is neutral and non-polar, at codon 339 of the ATP2A1 protein (p.Val339Ile). This variant is present in population databases (rs770299228, gnomAD 0.0009%). This variant has not been reported in the literature in individuals affected with ATP2A1-related conditions. ClinVar contains an entry for this variant (Variation ID: 578686). An algorithm developed to predict the effect of missense changes on protein structure and function (PolyPhen-2) suggests that this variant is likely to be disruptive. In summary, the available evidence is currently insufficient to determine the role of this variant in disease. Therefore, it has been classified as a Variant of Uncertain Significance.

Revvity Omics, Revvity
Classification: Uncertain significance for Brody myopathy. Last evaluated: 2023-08-10. Review status: criteria provided, single submitter. Criteria: ACMG Guidelines, 2015. Collection method: clinical testing. Allele origin: germline.